The following is an entry in ClinVar:

NM_000286.3(PEX12):c.-534C>T

Gene: PEX12 (peroxisomal biogenesis factor 12; minus strand). Cytogenetic location: 17q12.
Variant type: single nucleotide variant.
Coding change: c.-534C>T on transcript NM_000286.3 (MANE Select); 534 bases upstream of the start codon, C replaced by T.
Molecular consequence: 5 prime UTR variant.
Genome position (GRCh38, 1-based): chr17:35,578,555, G>A on the plus strand (C>T on the coding strand, the complement: PEX12 is on the minus strand). VCF-style: chr17-35578555-G-A. GRCh37 (hg19) VCF-style: chr17-33905574-G-A.
Identifiers: ClinVar variation 322666 (VCV000322666.7), dbSNP rs2278950, ClinGen allele CA10649087.

ClinVar aggregate classification (germline): Benign. Review status: criteria provided, multiple submitters, no conflicts (2 of 4 stars). 3 submissions from 3 submitters: Benign (3). Last evaluated 2018-11-16.

Conditions:
Peroxisome biogenesis disorder 3A (Zellweger). Also called: PEROXISOMAL BIOGENESIS DISORDER 3A (ZELLWEGER); Peroxisome biogenesis disorder 3A. Identifiers: Orphanet 912, MedGen C3553929, MONDO:0013927, OMIM 614859.

Allele frequency attached by ClinVar (database versions not stated): gnomAD exomes 0.04309; gnomAD 0.05335 and 0.05504; TOPMed 0.06455; 1000 Genomes Project 0.09085; 1000 Genomes Project 30x 0.09541.
gnomAD v4.1: 11,023 of 214,666 alleles (5.1%); highest among the groups gnomAD compares: East Asian, 14%; 494 homozygotes.

Submissions (3):

GeneDx
Classification: Benign. Last evaluated: 2018-11-16. Review status: criteria provided, single submitter. Criteria: GeneDx Variant Classification Process June 2021. Collection method: clinical testing. Allele origin: germline. Affected: yes.

Illumina Laboratory Services, Illumina
Classification: Benign for Peroxisome biogenesis disorder 3A (Zellweger). Last evaluated: 2018-01-13. Review status: criteria provided, single submitter. Criteria: ICSL Variant Classification Criteria 13 December 2019. Collection method: clinical testing. Allele origin: germline.
Comment: This variant was observed in the ICSL laboratory as part of a predisposition screen in an ostensibly healthy population. It had not been previously curated by ICSL or reported in the Human Gene Mutation Database (HGMD: prior to June 1st, 2018), and was therefore a candidate for classification through an automated scoring system. Utilizing variant allele frequency, disease prevalence and penetrance estimates, and inheritance mode, an automated score was calculated to assess if this variant is too frequent to cause the disease. Based on the score and internal cut-off values, a variant classified as benign is not then subjected to further curation. The score for this variant resulted in a classification of benign for this disease.

Breakthrough Genomics
Classification: Benign. Review status: criteria provided, single submitter. Criteria: ACMG Guidelines, 2015. Collection method: not provided. Allele origin: germline. Inheritance: Autosomal recessive inheritance. Affected: yes.